The following continues an entry in ClinVar:

NM_013275.6(ANKRD11):c.1903_1907del (p.Lys635fs)

Gene: ANKRD11. ClinVar aggregate classification (germline): Pathogenic/Likely pathogenic. Pathogenic (36); Likely pathogenic (1).

Submissions 12 to 36 of 44:

Victorian Clinical Genetics Services, Murdoch Childrens Research Institute
Classification: Pathogenic for KBG syndrome. Last evaluated: 2025-02-27. Review status: criteria provided, single submitter. Criteria: ACMG Guidelines, 2015. Collection method: clinical testing. Allele origin: germline. Affected: yes.
Comment: This variant is classified as Pathogenic. Evidence in support of pathogenic classification: Variant is predicted to cause nonsense-mediated decay (NMD) and loss of protein (premature termination codon is located at least 54 nucleotides upstream of the final exon-exon junction); Variant is present in gnomAD <0.001 for a dominant condition (v3: 1 heterozygote, 0 homozygotes); This variant has strong previous evidence of pathogenicity in unrelated individuals. It has been reported in more than ten individuals, including de novo events (ClinVar, DECIPHER, PMID: 36446582); Other NMD-predicted variants comparable to the one identified in this case have very strong previous evidence for pathogenicity (DECIPHER); Additional information: This variant is heterozygous; This gene is associated with autosomal dominant disease; Loss of function is a known mechanism of disease in this gene and is associated with KBG syndrome (MIM#148050); Variants in this gene are known to have variable expressivity. Intrafamilial variability is commonly reported (PMID: 29258554).

Center of Human Genetics, Hôpital Erasme
Classification: Pathogenic for KBG syndrome. Last evaluated: 2025-01-01. Review status: criteria provided, single submitter. Criteria: ACMG Guidelines, 2015. Collection method: clinical testing. Allele origin: de novo. Affected: yes.

Dubai Health Genomic Medicine Center, Dubai Health
Classification: Pathogenic for KBG syndrome. Last evaluated: 2024-10-04. Review status: criteria provided, single submitter. Criteria: ACMG Guidelines, 2015. Collection method: research. Allele origin: germline. Affected: yes.
Comment: PVS1,PS2,PM2,PP1

Daryl Scott Lab, Baylor College of Medicine
Classification: Pathogenic for KBG syndrome. Last evaluated: 2024-01-01. Review status: criteria provided, single submitter. Criteria: ACMG Guidelines, 2015. Collection method: clinical testing. Allele origin: de novo. Affected: yes. Observed: 1 heterozygote.
Comment: PVS1, PS2, PS4, PM2, PP1

Clinical Genetics Laboratory, Skane University Hospital Lund
Classification: Pathogenic. Last evaluated: 2023-08-22. Review status: criteria provided, single submitter. Criteria: ACMG Guidelines, 2015. Collection method: clinical testing. Allele origin: germline. Affected: yes.

Laboratorio de Genetica e Diagnostico Molecular, Hospital Israelita Albert Einstein
Classification: Pathogenic for KBG syndrome. Last evaluated: 2022-10-21. Review status: criteria provided, single submitter. Criteria: ACMG Guidelines, 2015. Collection method: clinical testing. Allele origin: germline. Affected: yes. Observed: 1 variant allele.
Comment: ACMG classification criteria: PVS1 very strong, PS4 strong, PM2 supporting, PM6 moderated

GeneDx
Classification: Pathogenic. Last evaluated: 2022-02-24. Review status: criteria provided, single submitter. Criteria: GeneDx Variant Classification Process June 2021. Collection method: clinical testing. Allele origin: germline. Affected: yes.
Comment: Frameshift variant predicted to result in protein truncation or nonsense mediated decay in a gene for which loss-of-function is a known mechanism of disease; Not observed at significant frequency in large population cohorts (gnomAD); This variant is associated with the following publications: (PMID: 27605097, 25833229, 28191890, 29158550, 32581362, 25413698, 25424714, 27667800, 25533962, 25363768, 28250421, 28449295, 28135719, 29530238, 31332282, 33048330, 32124548, 32371413, 31981491, 33955014, 33767182)

MGZ Medical Genetics Center
Classification: Pathogenic for KBG syndrome. Last evaluated: 2022-02-01. Review status: criteria provided, single submitter. Criteria: ACMG Guidelines, 2015. Collection method: clinical testing. Allele origin: germline. Affected: yes. Observed: 1 variant allele.
Comment: ACMG criteria applied: PVS1, PS4_MOD, PM6, PM2_SUP, PP1

Revvity Omics, Revvity
Classification: Pathogenic for KBG syndrome. Last evaluated: 2021-12-27. Review status: criteria provided, single submitter. Criteria: ACMG Guidelines, 2015. Collection method: clinical testing. Allele origin: germline.

Medical Cytogenetics and Molecular Genetics Laboratory, IRCCS Istituto Auxologico Italiano
Classification: Pathogenic for KBG syndrome. Last evaluated: 2021-11-01. Review status: criteria provided, single submitter. Criteria: ACMG Guidelines, 2015. Collection method: research. Allele origin: de novo. Affected: yes. Observed: 1 variant allele.

Baylor Genetics
Classification: Pathogenic for KBG syndrome. Last evaluated: 2021-09-20. Review status: criteria provided, single submitter. Criteria: ACMG Guidelines, 2015. Collection method: clinical testing. Allele origin: unknown.

Cytogénomique, Hospices Civils de Lyon
Classification: Pathogenic for Intellectual disability. Last evaluated: 2021-05-12. Review status: criteria provided, single submitter. Criteria: ACMG Guidelines, 2015. Collection method: clinical testing. Allele origin: de novo. Inheritance: Sporadic. Affected: yes. Observed: 1 variant allele, 1 heterozygote.
Comment: de novo truncating variant absent from gnomAD. ALready pathogenic in ClinVar

Institute for Human Genetics, University Hospital Essen
Classification: Pathogenic for Global developmental delay. Last evaluated: 2021-01-22. Review status: criteria provided, single submitter. Criteria: ACMG Guidelines, 2015. Collection method: research. Allele origin: unknown, de novo. Affected: yes. Observed: 4 variant alleles.

Institute of Medical Genetics and Applied Genomics, University Hospital Tübingen
Classification: Pathogenic. Last evaluated: 2020-10-23. Review status: criteria provided, single submitter. Criteria: ACMG Guidelines, 2015. Collection method: clinical testing. Allele origin: germline. Inheritance: Autosomal dominant inheritance. Affected: yes.

Blueprint Genetics
Classification: Pathogenic. Last evaluated: 2019-09-23. Review status: criteria provided, single submitter. Criteria: Blueprint Genetics Variant Classification Scheme. Collection method: clinical testing. Allele origin: germline. Affected: yes.

Knight Diagnostic Laboratories, Oregon Health and Sciences University
Classification: Pathogenic for KBG syndrome. Last evaluated: 2019-07-08. Review status: criteria provided, single submitter. Criteria: ACMG Guidelines, 2015. Collection method: clinical testing. Allele origin: germline. Observed: 1 variant allele.

Institute for Genomic Medicine (IGM) Clinical Laboratory, Nationwide Children's Hospital
Classification: Pathogenic for KBG syndrome. Last evaluated: 2019-03-11. Review status: criteria provided, single submitter. Criteria: ACMG Guidelines, 2015. Collection method: clinical testing. Allele origin: germline. Affected: yes.
Comment: [ACMG/AMP: PVS1, PS2, PM2, PS4_Moderate, PP1, PP5] This alteration is a null variant in a gene where LOF is a known mechanism of disease [PVS1], is de novo in origin as it was not detected in the submitted parental specimens (identity confirmed) [PS2], is absent from or rarely observed in large-scale population databases [PM2], has previously been observed in multiple unrelated patients with the same phenotype [PS4_Moderate], has been shown to cosegregate with disease in multiple affected family members [PP1], was reported as a pathogenic/likely pathogenic alteration by a reputable source (ClinVar or other correspondence from a clinical testing laboratory) [PP5].

Genomic Medicine Lab, University of California San Francisco
Classification: Pathogenic for KBG syndrome. Last evaluated: 2018-03-08. Review status: criteria provided, single submitter. Criteria: ACMG Guidelines, 2015. Collection method: clinical testing. Allele origin: unknown. Inheritance: Autosomal dominant inheritance. Affected: yes. Study: CSER.

Institute of Human Genetics, FAU Erlangen, Friedrich-Alexander-Universität Erlangen-Nürnberg
Classification: Pathogenic for KBG syndrome. Last evaluated: 2017-08-01. Review status: criteria provided, single submitter. Criteria: ACMG Guidelines, 2015. Collection method: clinical testing. Allele origin: de novo. Inheritance: Sporadic. Affected: yes. Observed: 1 variant allele, 1 heterozygote.

Centre for Mendelian Genomics, University Medical Centre Ljubljana
Classification: Likely pathogenic for Clinodactyly of the 5th finger; Conductive hearing impairment; Global developmental delay; Intellectual disability; Ptosis; Short foot; Short palm; Unilateral cryptorchidism. Last evaluated: 2017-01-01. Review status: criteria provided, single submitter. Criteria: ACMG Guidelines, 2015. Collection method: clinical testing. Allele origin: unknown. Affected: yes.

Center of Genomic medicine, Geneva, University Hospital of Geneva
Classification: Pathogenic for KBG syndrome. Last evaluated: 2016-10-26. Review status: criteria provided, single submitter. Criteria: ACMG Guidelines, 2015. Collection method: clinical testing. Allele origin: de novo. Affected: yes.

Centre de Biologie Pathologie Génétique, Centre Hospitalier Universitaire de Lille
Classification: Pathogenic for Neurodevelopmental delay. Review status: criteria provided, single submitter. Criteria: ACMG Guidelines, 2015. Collection method: clinical testing. Allele origin: de novo. Affected: yes.

Clinical Genetics Service, Universitary Hospital 12 de Octubre
Classification: Pathogenic for KBG syndrome. Review status: criteria provided, single submitter. Criteria: ACMG Guidelines, 2015. Collection method: clinical testing. Allele origin: de novo. Affected: yes.

Genomics England Pilot Project, Genomics England
Classification: Pathogenic for KBG syndrome. Review status: criteria provided, single submitter. Criteria: ACGS Guidelines, 2016. Collection method: clinical testing. Allele origin: germline. Affected: yes.

Laboratory of Medical Genetics, University of Torino
Classification: Pathogenic for KBG syndrome. Review status: criteria provided, single submitter. Criteria: ACMG Guidelines, 2015. Collection method: clinical testing. Allele origin: unknown. Affected: yes.